The following is an entry in ClinVar:

NM_005726.6(TSFM):c.726G>A (p.Thr242=)

Gene: TSFM (Ts translation elongation factor, mitochondrial; plus strand). Cytogenetic location: 12q14.1.
Variant type: single nucleotide variant.
Coding change: c.726G>A on transcript NM_005726.6 (MANE Select); coding-DNA position 726, G replaced by A.
Protein change: p.Thr242=; no amino-acid change (threonine 242 retained).
Molecular consequence: synonymous variant. On other transcripts: 3 prime UTR variant (1), intron variant (1).
Genome position (GRCh38, 1-based): chr12:57,796,331, G>A. VCF-style: chr12-57796331-G-A. GRCh37 (hg19) VCF-style: chr12-58190114-G-A.
Other names: c.789G>A, p.Thr263= (NM_001172696.2); c.*134G>A (NM_001172695.2); c.571+3258G>A (NM_001172697.2).
Identifiers: ClinVar variation 740261 (VCV000740261.12), dbSNP rs140461538, ClinGen allele CA6659435.
Genomic context (GRCh38, chr12:57,796,331, plus strand): 5'-GAGTCCCTCACTTCACAAGCTGGTGCTGGGGAAGTATGGGGCCCTGGTCATCTGTGAGAC[G>A]TCTGAACAGAAAACAAACCTTGAAGACGTTGGCCGCCGCCTTGGGCAGCATGTGGTGGGC-3'
Protein context (NP_005717.3, residues 232-252): GKYGALVICE[Thr242=]SEQKTNLEDV

ClinVar aggregate classification (germline): Likely benign. Review status: criteria provided, multiple submitters, no conflicts (2 of 4 stars). 3 submissions from 3 submitters: Likely benign (2). 1 of the submissions does not count toward it. Last evaluated 2025-12-28.

Conditions:
Fatal mitochondrial disease due to combined oxidative phosphorylation defect type 3. Also called: Combined oxidative phosphorylation deficiency 3; ENCEPHALOMYOPATHY, RESPIRATORY FAILURE, AND LACTIC ACIDOSIS. Identifiers: Orphanet 168566, MedGen C1864840, MONDO:0012512, OMIM 610505.
TSFM-related disorder. Also called: TSFM-related condition.

Allele frequency attached by ClinVar (database versions not stated): gnomAD exomes 0.00002 and 0.00003; ExAC 0.00004; gnomAD 0.00019; TOPMed 0.00020; ESP Exome Variant Server 0.00023.
gnomAD v4.1: 56 of 1,609,596 alleles (0.0035%); highest among the groups gnomAD compares: African/African-American, 0.057%; no homozygotes.

Submissions (3):

Labcorp Genetics (formerly Invitae), Labcorp
Classification: Likely benign. Last evaluated: 2025-12-28. Review status: criteria provided, single submitter. Criteria: Invitae Variant Classification Sherloc (09022015). Collection method: clinical testing. Allele origin: germline.

PreventionGenetics, part of Exact Sciences
Classification: Likely benign for TSFM-related condition. Last evaluated: 2025-11-14. Review status: criteria provided, single submitter. Criteria: ACMG Guidelines, 2015. Collection method: clinical testing. Allele origin: germline.
Comment: This variant is classified as likely benign based on ACMG/AMP sequence variant interpretation guidelines (Richards et al. 2015 PMID: 25741868, with internal and published modifications).

Natera, Inc.
Classification: Likely benign for Combined oxidative phosphorylation deficiency 3. Last evaluated: 2020-09-16. Review status: no assertion criteria provided. Collection method: clinical testing. Allele origin: germline. Not counted in ClinVar's aggregate classification.